The following is an entry in ClinVar:

ClinVar aggregate classification (germline): Pathogenic (1 of 4 stars; one submission).

Submission:

Labcorp Genetics (formerly Invitae), Labcorp
Classification: Pathogenic. Last evaluated: 2021-05-27. Review status: criteria provided, single submitter. Criteria: Invitae Variant Classification Sherloc (09022015). Collection method: clinical testing. Allele origin: germline.
Comment: For these reasons, this variant has been classified as Pathogenic. This variant has been observed in individual(s) with Usher syndrome (PMID: 25468891). This variant is not present in population databases (ExAC no frequency). This sequence change creates a premature translational stop signal (p.Gln1333Argfs*66) in the MYO7A gene. It is expected to result in an absent or disrupted protein product. Loss-of-function variants in MYO7A are known to be pathogenic (PMID: 8900236, 25404053).

Literature cited by the submitters: PubMed 25468891; PubMed 8900236; PubMed 25404053.

NM_000260.4(MYO7A):c.3998del (p.Gln1333fs)

Gene: MYO7A (myosin VIIA; plus strand). Cytogenetic location: 11q13.5.
Variant type: Deletion.
Coding change: c.3998del on transcript NM_000260.4 (MANE Select); coding-DNA position 3998, one base deleted (A; older notation c.3998delA).
Protein change: p.Gln1333fs; shifts the reading frame from glutamine 1333.
Molecular consequence: frameshift variant.
Genome position (GRCh38, 1-based): chr11:77,192,124, A deleted. VCF-style (leftmost placement, unchanged base first): chr11-77192123-CA-C. GRCh37 (hg19) VCF-style: chr11-76903168-CA-C.
Other names: c.3998del, p.Gln1333fs (NM_001127180.2); c.3965del, p.Gln1322fs (NM_001369365.1); short protein forms Q1333fs, Q1322fs.
Identifiers: ClinVar variation 1441930 (VCV001441930.8), dbSNP rs2135575726, ClinGen allele CA2573147750.